The following is an entry in ClinVar:

ClinVar aggregate classification (germline): Uncertain significance. Review status: criteria provided, multiple submitters, no conflicts (2 of 4 stars). 2 submissions from 2 submitters: Uncertain significance (2). Last evaluated 2025-08-07.

Conditions:
Dyskeratosis congenita. Identifiers: Orphanet 1775, MedGen C0265965, MONDO:0015780.
Inborn genetic diseases. Identifiers: MedGen C0950123, MeSH D030342.

gnomAD v4.1: 1 of 1,602,602 alleles (0.000062%); highest among the groups gnomAD compares: Middle Eastern, 0.017%; no homozygotes.

Submissions (2):

Ambry Genetics
Classification: Uncertain significance for Inborn genetic diseases. Last evaluated: 2025-08-07. Review status: criteria provided, single submitter. Criteria: Ambry Variant Classification Scheme 2023. Collection method: clinical testing. Allele origin: germline.

Labcorp Genetics (formerly Invitae), Labcorp
Classification: Uncertain significance for Dyskeratosis congenita. Last evaluated: 2021-10-10. Review status: criteria provided, single submitter. Criteria: Invitae Variant Classification Sherloc (09022015). Collection method: clinical testing. Allele origin: germline.
Comment: This sequence change replaces proline with leucine at codon 759 of the CTC1 protein (p.Pro759Leu). The proline residue is highly conserved and there is a moderate physicochemical difference between proline and leucine. In summary, the available evidence is currently insufficient to determine the role of this variant in disease. Therefore, it has been classified as a Variant of Uncertain Significance. Algorithms developed to predict the effect of missense changes on protein structure and function are either unavailable or do not agree on the potential impact of this missense change (SIFT: "Tolerated"; PolyPhen-2: "Probably Damaging"; Align-GVGD: "Class C0"). This variant has not been reported in the literature in individuals with CTC1-related conditions. This variant is not present in population databases (ExAC no frequency).

NM_025099.6(CTC1):c.2276C>T (p.Pro759Leu)

Gene: CTC1 (CST telomere replication complex component 1; minus strand). Cytogenetic location: 17p13.1.
Variant type: single nucleotide variant.
Coding change: c.2276C>T on transcript NM_025099.6 (MANE Select); coding-DNA position 2276, C replaced by T.
Protein change: p.Pro759Leu; replaces proline 759 with leucine.
Molecular consequence: missense variant. On other transcripts: non-coding transcript variant (1).
Genome position (GRCh38, 1-based): chr17:8,232,012, G>A on the plus strand (C>T on the coding strand, the complement: CTC1 is on the minus strand). VCF-style: chr17-8232012-G-A. GRCh37 (hg19) VCF-style: chr17-8135330-G-A.
Other names: c.2276C>T (NM_025099.5); short protein forms P759L.
Identifiers: ClinVar variation 1405504 (VCV001405504.7), dbSNP rs2151509364, ClinGen allele CA397977822.